The following is an entry in ClinVar:

ClinVar aggregate classification (germline): Conflicting classifications of pathogenicity. Review status: criteria provided, conflicting classifications (1 of 4 stars). 2 submissions from 2 submitters: Uncertain significance (1); Likely benign (1). Last evaluated 2024-08-29.

Conditions:
Autosomal recessive spinocerebellar ataxia 14. Also called: CEREBELLAR ATAXIA, AUTOSOMAL RECESSIVE, SPECTRIN-ASSOCIATED, 1. Identifiers: Orphanet 352403, MedGen C4706415, MONDO:0014159, OMIM 615386.

Allele frequency attached by ClinVar (database versions not stated): ExAC 0.00003; ESP Exome Variant Server 0.00008.
gnomAD v4.1: 60 of 1,607,688 alleles (0.0037%); highest among the groups gnomAD compares: Middle Eastern, 0.016%; no homozygotes.

Submissions (2):

Labcorp Genetics (formerly Invitae), Labcorp
Classification: Likely benign. Last evaluated: 2024-08-29. Review status: criteria provided, single submitter. Criteria: Invitae Variant Classification Sherloc (09022015). Collection method: clinical testing. Allele origin: germline.

Neuberg Centre For Genomic Medicine, NCGM
Classification: Uncertain significance for Autosomal recessive spinocerebellar ataxia 14. Review status: criteria provided, single submitter. Criteria: ACMG Guidelines, 2015. Collection method: clinical testing. Allele origin: germline. Inheritance: Autosomal recessive inheritance. Affected: yes.
Comment: The missense variant c.3091G>A (p.Ala1031Thr) in SPTBN2 has not been reported previously as a pathogenic variant nor as a benign variant, to our knowledge. This variant has not been reported to the ClinVar database. The p.Ala1031Thr is reported with the allele frequency (0.0051%) in the gnomad and novel in 1000 genome database. The amino acid Ala at position 1031 is changed to a Thr changing protein sequence and it might alter its composition and physico-chemical properties. For these reasons, this variant has been classified as Uncertain Significance (VUS).

NM_006946.4(SPTBN2):c.3091G>A (p.Ala1031Thr)

Gene: SPTBN2 (spectrin beta, non-erythrocytic 2; minus strand). Cytogenetic location: 11q13.2.
Variant type: single nucleotide variant.
Coding change: c.3091G>A on transcript NM_006946.4 (MANE Select); coding-DNA position 3091, G replaced by A.
Protein change: p.Ala1031Thr; replaces alanine 1031 with threonine.
Molecular consequence: missense variant.
Genome position (GRCh38, 1-based): chr11:66,701,008, C>T on the plus strand (G>A on the coding strand, the complement: SPTBN2 is on the minus strand). VCF-style: chr11-66701008-C-T. GRCh37 (hg19) VCF-style: chr11-66468479-C-T.
Other names: c.3112G>A, p.Ala1038Thr (NM_001411025.1); short protein forms A1038T, A1031T.
Identifiers: ClinVar variation 2585599 (VCV002585599.2), dbSNP rs138735919, ClinGen allele CA6128938.
Genomic context (GRCh38, chr11:66,701,008, plus strand): 5'-TGAGGTCCTCCCAGCCGGTCTGCACCTCTCTCAGCCGGGCGTTGATGGCCACTGCCTGAG[C>T]GGGATGGCCGGCAGCCAGGGCATTTGCCTCTCGAGTCAGTTCGCCCACCCGGGCGGCGAT-3'
Protein context (NP_008877.2, residues 1021-1041): EANALAAGHP[Ala1031Thr]QAVAINARLR